The following is an entry in ClinVar:

NM_004984.4(KIF5A):c.1272_1273del (p.Leu424_Tyr425insTer)

Gene: KIF5A (kinesin family member 5A; plus strand). Cytogenetic location: 12q13.3.
Variant type: Microsatellite.
Coding change: c.1272_1273del on transcript NM_004984.4 (MANE Select); coding-DNA positions 1272 to 1273, 2 bases deleted (CT; older notation c.1272_1273delCT).
Protein change: p.Leu424_Tyr425insTer.
Molecular consequence: frameshift variant.
Genome position (GRCh38, 1-based): chr12:57,570,141-57,570,142, CT deleted; deleting any 2 consecutive bases within chr12:57,570,138-57,570,142 gives the same sequence; the c. name uses the placement nearest the transcript's 3' end. VCF-style (leftmost placement, unchanged base first): chr12-57570137-GTC-G. GRCh37 (hg19) VCF-style: chr12-57963920-GTC-G.
Other names: c.1005_1006del, p.Leu335_Tyr336insTer (NM_001354705.2).
Identifiers: ClinVar variation 1943139 (VCV001943139.5), dbSNP rs2540501760, ClinGen allele CA2580616809.

ClinVar aggregate classification (germline): Pathogenic (1 of 4 stars; one submission).

Conditions:
Spastic paraplegia. Identifiers: MedGen C0037772, HP:0001258.

Submission:

Labcorp Genetics (formerly Invitae), Labcorp
Classification: Pathogenic for Spastic paraplegia. Last evaluated: 2022-10-21. Review status: criteria provided, single submitter. Criteria: Invitae Variant Classification Sherloc (09022015). Collection method: clinical testing. Allele origin: germline.
Comment: For these reasons, this variant has been classified as Pathogenic. This variant has not been reported in the literature in individuals affected with KIF5A-related conditions. This variant is not present in population databases (gnomAD no frequency). This sequence change creates a premature translational stop signal (p.Tyr425*) in the KIF5A gene. It is expected to result in an absent or disrupted protein product. Loss-of-function variants in KIF5A are known to be pathogenic (PMID: 26374131).

Literature cited by the submitters: PubMed 26374131.